The following is an entry in ClinVar:

ClinVar aggregate classification (germline): Uncertain significance (1 of 4 stars; one submission).

Submission:

Labcorp Genetics (formerly Invitae), Labcorp
Classification: Uncertain significance. Last evaluated: 2022-10-13. Review status: criteria provided, single submitter. Criteria: Invitae Variant Classification Sherloc (09022015). Collection method: clinical testing. Allele origin: germline.
Comment: This sequence change replaces aspartic acid, which is acidic and polar, with glycine, which is neutral and non-polar, at codon 911 of the ERCC6L2 protein (p.Asp911Gly). This variant is not present in population databases (gnomAD no frequency). This variant has not been reported in the literature in individuals affected with ERCC6L2-related conditions. Algorithms developed to predict the effect of missense changes on protein structure and function are either unavailable or do not agree on the potential impact of this missense change (SIFT: "Deleterious"; PolyPhen-2: "Not Available"; Align-GVGD: "Class C0"). In summary, the available evidence is currently insufficient to determine the role of this variant in disease. Therefore, it has been classified as a Variant of Uncertain Significance.

NM_020207.7(ERCC6L2):c.2699A>G (p.Asp900Gly)

Gene: ERCC6L2 (ERCC excision repair 6 like 2; plus strand). Cytogenetic location: 9q22.32.
Variant type: single nucleotide variant.
Coding change: c.2699A>G on transcript NM_020207.7 (MANE Select); coding-DNA position 2699, A replaced by G.
Protein change: p.Asp900Gly; replaces aspartic acid 900 with glycine.
Molecular consequence: missense variant. On other transcripts: non-coding transcript variant (1).
Genome position (GRCh38, 1-based): chr9:95,972,450, A>G. VCF-style: chr9-95972450-A-G. GRCh37 (hg19) VCF-style: chr9-98734732-A-G.
Other names: c.2699A>G, p.Asp900Gly (NM_001375291.1, NM_001375292.1, NM_001375293.1 and 1 more transcripts); short protein forms D900G.
Identifiers: ClinVar variation 2091249 (VCV002091249.4), dbSNP rs2490552963, ClinGen allele CA2580080734.